The following is an entry in ClinVar:

NM_001365536.1(SCN9A):c.1974+9_1974+15del

Genes: SCN1A-AS1 (SCN1A and SCN9A antisense RNA 1; plus strand), SCN9A (sodium voltage-gated channel alpha subunit 9; minus strand). Cytogenetic location: 2q24.3.
Variant type: Deletion.
Coding change: c.1974+9_1974+15del on transcript NM_001365536.1 (MANE Select); bases 9 to 15 of the intron after coding-DNA position 1974, 7 bases deleted (GTTTTAC; older notation c.1974+9_1974+15delGTTTTAC).
Molecular consequence: intron variant.
Genome position (GRCh38, 1-based): chr2:166,284,438-166,284,444, GTAAAAC deleted on the plus strand (GTTTTAC on the coding strand, the reverse complement: SCN9A is on the minus strand); deleting any 7 consecutive bases within chr2:166,284,438-166,284,446 gives the same sequence; the c. name uses the placement nearest the transcript's 3' end. VCF-style (leftmost placement, unchanged base first): chr2-166284437-TGTAAAAC-T. GRCh37 (hg19) VCF-style: chr2-167140947-TGTAAAAC-T.
Other names: c.1974+9_1974+15del7 (NM_001365536.1); c.1941+42_1941+48del (NM_002977.4).
Identifiers: ClinVar variation 3049456 (VCV003049456.2), dbSNP rs771477692, ClinGen allele CA1944384.

ClinVar aggregate classification (germline): Likely benign (0 of 4 stars; one submission).

Conditions:
SCN9A-related disorder. Also called: SCN9A-related condition; SCN9A-related disorders.

Submission:

PreventionGenetics, part of Exact Sciences
Classification: Likely benign for SCN9A-related condition. Last evaluated: 2019-07-16. Review status: no assertion criteria provided. Collection method: clinical testing. Allele origin: germline.
Comment: This variant is classified as likely benign based on ACMG/AMP sequence variant interpretation guidelines (Richards et al. 2015 PMID: 25741868, with internal and published modifications).